The following is an entry in ClinVar:

ClinVar aggregate classification (germline): Conflicting classifications of pathogenicity. Review status: criteria provided, conflicting classifications (1 of 4 stars). 2 submissions from 2 submitters: Uncertain significance (1); Likely benign (1). Last evaluated 2026-01-13.

Allele frequency attached by ClinVar (database versions not stated): gnomAD exomes below 0.00001 and 0.00001; gnomAD 0.00001.
gnomAD v4.1: 9 of 1,569,190 alleles (0.00057%); highest among the groups gnomAD compares: Non-Finnish European, 0.00079%; no homozygotes.

Submissions (2):

Labcorp Genetics (formerly Invitae), Labcorp
Classification: Likely benign. Last evaluated: 2026-01-13. Review status: criteria provided, single submitter. Criteria: Invitae Variant Classification Sherloc (09022015). Collection method: clinical testing. Allele origin: germline.

Women's Health and Genetics/Laboratory Corporation of America, LabCorp
Classification: Uncertain significance. Last evaluated: 2025-04-30. Review status: criteria provided, single submitter. Criteria: LabCorp Variant Classification Summary - May 2015. Collection method: clinical testing. Allele origin: germline.
Comment: Variant summary: PACS2 c.1781-7C>T alters a nucleotide located at a position not widely known to affect splicing. Several computational tools predict a significant impact on normal splicing: Three predict the variant creates a 5 donor site. One predict the variant strengthens a 3 acceptor site. However, these predictions have yet to be confirmed by functional studies. The variant allele was found at a frequency of 4.1e-06 in 244840 control chromosomes. The available data on variant occurrences in the general population are insufficient to allow any conclusion about variant significance. To our knowledge, no occurrence of c.1781-7C>T in individuals affected with Developmental And Epileptic Encephalopathy, 66 and no experimental evidence demonstrating its impact on protein function have been reported. ClinVar contains an entry for this variant (Variation ID: 1364374). Based on the evidence outlined above, the variant was classified as uncertain significance.

NM_001100913.3(PACS2):c.1781-7C>T

Gene: PACS2 (phosphofurin acidic cluster sorting protein 2; plus strand). Cytogenetic location: 14q32.33.
Variant type: single nucleotide variant.
Coding change: c.1781-7C>T on transcript NM_001100913.3 (MANE Select); 7 bases into the intron before coding-DNA position 1781, C replaced by T.
Molecular consequence: intron variant.
Genome position (GRCh38, 1-based): chr14:105,384,346, C>T. VCF-style: chr14-105384346-C-T. GRCh37 (hg19) VCF-style: chr14-105850683-C-T.
Other names: c.1781-7C>T (NM_001100913.2); c.1544-7C>T (NM_001243127.3); c.1769-7C>T (NM_015197.4).
Identifiers: ClinVar variation 1364374 (VCV001364374.7), dbSNP rs1555412976, ClinGen allele CA616255150.
Genomic context (GRCh38, chr14:105,384,346, plus strand): 5'-TGCCGCGGTGGGAGCCTTGCAGCTCCGAGTCCCCCGTGGTGACACCAGCCCCACCCCTGG[C>T]ATGCAGGCTCCCACCCCGTGGCCAGGTACCTAGGCTCCGTGGACTACCGCTACAACAACT-3'